The following is an entry in ClinVar:

NM_001267550.2(TTN):c.19714+113T>C

Gene: TTN (titin; minus strand). Cytogenetic location: 2q31.2.
Variant type: single nucleotide variant.
Coding change: c.19714+113T>C on transcript NM_001267550.2 (MANE Select); 113 bases into the intron after coding-DNA position 19714, T replaced by C.
Molecular consequence: intron variant.
Genome position (GRCh38, 1-based): chr2:178,727,997, A>G on the plus strand (T>C on the coding strand, the complement: TTN is on the minus strand). VCF-style: chr2-178727997-A-G. GRCh37 (hg19) VCF-style: chr2-179592724-A-G.
Other names: c.13282+10085T>C (NM_003319.4); c.13858+10085T>C (NM_133437.4); c.13657+10085T>C (NM_133432.3); c.15982+113T>C (NM_133378.4); c.18763+113T>C (NM_001256850.1).
Identifiers: ClinVar variation 672568 (VCV000672568.1), dbSNP rs2627042, ClinGen allele CA11203797.

ClinVar aggregate classification (germline): Benign (1 of 4 stars; one submission).

Allele frequency attached by ClinVar (database versions not stated): gnomAD exomes 0.06887; gnomAD 0.11121 and 0.11547; TOPMed 0.12195; 1000 Genomes Project 30x 0.17473; 1000 Genomes Project 0.17831.
gnomAD v4.1: 105,270 of 1,415,214 alleles (7.4%); highest among the groups gnomAD compares: East Asian, 20%; 6,120 homozygotes.

Submission:

GeneDx
Classification: Benign. Last evaluated: 2018-06-19. Review status: criteria provided, single submitter. Criteria: GeneDx Variant Classification (06012015). Collection method: clinical testing. Allele origin: germline. Affected: yes.
Comment: This variant is considered likely benign or benign based on one or more of the following criteria: it is a conservative change, it occurs at a poorly conserved position in the protein, it is predicted to be benign by multiple in silico algorithms, and/or has population frequency not consistent with disease.